The following is an entry in ClinVar:

NM_000492.4(CFTR):c.228T>G (p.Cys76Trp)

Gene: CFTR (CF transmembrane conductance regulator; plus strand). Cytogenetic location: 7q31.2.
Variant type: single nucleotide variant.
Coding change: c.228T>G on transcript NM_000492.4 (MANE Select); coding-DNA position 228, T replaced by G.
Protein change: p.Cys76Trp; replaces cysteine 76 with tryptophan.
Molecular consequence: missense variant.
Genome position (GRCh38, 1-based): chr7:117,509,097, T>G. VCF-style: chr7-117509097-T-G. GRCh37 (hg19) VCF-style: chr7-117149151-T-G.
Other names: short protein forms C76W.
Identifiers: ClinVar variation 821041 (VCV000821041.51), dbSNP rs777536750, ClinGen allele CA4450670.

ClinVar aggregate classification (germline): Uncertain significance. Review status: criteria provided, multiple submitters, no conflicts (2 of 4 stars). 6 submissions from 6 submitters: Uncertain significance (5). 1 of the submissions does not count toward it. Last evaluated 2025-12-26.

Conditions:
Cystic fibrosis (CF). Also called: MUCOVISCIDOSIS. Identifiers: Orphanet 586, MedGen C0010674, MONDO:0009061, OMIM 219700. Disease mechanism: loss of function.
CFTR-related disorder (CFTR-RD). Also called: CFTR-related disorders; CFTR-related condition. Identifiers: MedGen C5924204, MONDO:7770004.

Allele frequency attached by ClinVar (database versions not stated): gnomAD exomes below 0.00001 and 0.00001; TOPMed below 0.00001; ExAC 0.00001.
gnomAD v4.1: 15 of 1,612,044 alleles (0.00093%); highest among the groups gnomAD compares: Non-Finnish European, 0.0013%; no homozygotes.

Submissions (6):

PreventionGenetics, part of Exact Sciences
Classification: Uncertain significance for CFTR-related condition. Last evaluated: 2025-12-26. Review status: criteria provided, single submitter. Criteria: ACMG Guidelines, 2015. Collection method: clinical testing. Allele origin: germline.
Comment: The CFTR c.228T>G variant is predicted to result in the amino acid substitution p.Cys76Trp. This variant has been reported in individuals with congenital bilateral absence of the vas deferens; in one individual this variant was reported along with CFTR c.3717+40A>G, although phase was not known (Table S5, Steiner et al. 2011. PubMed ID: 21520337; CFTR-France). In contrast, this variant has been reported, along with the CFTR p.Phe508del variant, in an individual with azoospermia in whom congenital bilateral absence of the vas deferens (CBAVD) was not suspected (Oud et al. 2017. PubMed ID: 28801929). This variant is reported in 0.00088% of alleles in individuals of European (Non-Finnish) descent in gnomAD. At this time, the clinical significance of this variant is uncertain due to the absence of conclusive functional and genetic evidence.

Ambry Genetics
Classification: Uncertain significance for Cystic fibrosis. Last evaluated: 2024-09-13. Review status: criteria provided, single submitter. Criteria: Ambry Variant Classification Scheme 2023. Collection method: clinical testing. Allele origin: germline.
Comment: The p.C76W variant (also known as c.228T>G), located in coding exon 3 of the CFTR gene, results from a T to G substitution at nucleotide position 228. The cysteine at codon 76 is replaced by tryptophan, an amino acid with highly dissimilar properties. This variant has been detected with p.F508del in an individual with azoospermia, and an individual from a cystic fibrosis (CF) registry including patients with CF-related features; however, details were limited, and the phase of the alterations was not specified (Nick JA et al. Am. J. Respir. Crit. Care Med., 2010 Sep;182:614-26; Oud MS et al. Hum. Mutat., 2017 11;38:1592-1605). This variant has also been detected in a control cohort (Schneider A et al. Gastroenterology, 2011 Jan;140:162-71). This amino acid position is highly conserved in available vertebrate species. In addition, this alteration is predicted to be deleterious by in silico analysis. Based on the available evidence, the clinical significance of this variant remains unclear.

Women's Health and Genetics/Laboratory Corporation of America, LabCorp
Classification: Uncertain significance. Last evaluated: 2023-08-02. Review status: criteria provided, single submitter. Criteria: LabCorp Variant Classification Summary - May 2015. Collection method: clinical testing. Allele origin: germline.
Comment: Variant summary: CFTR c.228T>G (p.Cys76Trp) results in a non-conservative amino acid change in the encoded protein sequence. Five of five in-silico tools predict a damaging effect of the variant on protein function. The variant allele was found at a frequency of 4e-06 in 251012 control chromosomes (gnomAD). The available data on variant occurrences in the general population are insufficient to allow any conclusion about variant significance. c.228T>G has been reported in the literature in individuals affected with Cystic Fibrosis, CBAVD, or azoospermia with other pathogenic variants in an unknown phase (Nick_2010, Oud_2017, Steiner_2011). These reports do not provide unequivocal conclusions about association of the variant with Cystic Fibrosis. To our knowledge, no experimental evidence demonstrating an impact on protein function has been reported. The following publications have been ascertained in the context of this evaluation (PMID: 20448091, 28801929, 21520337). Four submitters have cited clinical-significance assessments for this variant to ClinVar after 2014. All submitters classified the variant as uncertain significance. Based on the evidence outlined above, the variant was classified as uncertain significance.

Genome-Nilou Lab
Classification: Uncertain significance for Cystic fibrosis. Last evaluated: 2021-09-05. Review status: criteria provided, single submitter. Criteria: ACMG Guidelines, 2015. Collection method: clinical testing. Allele origin: germline. Affected: no.

Labcorp Genetics (formerly Invitae), Labcorp
Classification: Uncertain significance for Cystic fibrosis. Last evaluated: 2021-08-26. Review status: criteria provided, single submitter. Criteria: Invitae Variant Classification Sherloc (09022015). Collection method: clinical testing. Allele origin: germline.
Comment: This sequence change replaces cysteine with tryptophan at codon 76 of the CFTR protein (p.Cys76Trp). The cysteine residue is moderately conserved and there is a large physicochemical difference between cysteine and tryptophan. This variant is present in population databases (rs777536750, ExAC 0.001%). This missense change has been observed in individual(s) with congenital absence of the vas deferens (Invitae). In at least one individual the data is consistent with the variant being in trans (on the opposite chromosome) from a pathogenic variant. Algorithms developed to predict the effect of missense changes on protein structure and function are either unavailable or do not agree on the potential impact of this missense change (SIFT: "Deleterious"; PolyPhen-2: "Probably Damaging"; Align-GVGD: "Class C15"). In summary, the available evidence is currently insufficient to determine the role of this variant in disease. Therefore, it has been classified as a Variant of Uncertain Significance.

Natera, Inc.
Classification: Uncertain significance for CFTR-related disorders. Last evaluated: 2018-09-28. Review status: no assertion criteria provided. Collection method: clinical testing. Allele origin: germline. Not counted in ClinVar's aggregate classification.

Literature cited by the submitters: PubMed 20448091 (cited by Ambry Genetics and Women's Health and Genetics/Laboratory Corporation of America, LabCorp); PubMed 20977904 (cited by Ambry Genetics); PubMed 28801929 (cited by Ambry Genetics and Women's Health and Genetics/Laboratory Corporation of America, LabCorp); PubMed 21520337 (cited by Women's Health and Genetics/Laboratory Corporation of America, LabCorp).